The following is an entry in ClinVar:

ClinVar aggregate classification (germline): Uncertain significance (1 of 4 stars; one submission).

Allele frequency attached by ClinVar (database versions not stated): gnomAD exomes below 0.00001.
gnomAD v4.1: 4 of 1,607,088 alleles (0.00025%); highest among the groups gnomAD compares: Non-Finnish European, 0.00034%; no homozygotes.

Submission:

Labcorp Genetics (formerly Invitae), Labcorp
Classification: Uncertain significance. Last evaluated: 2022-06-13. Review status: criteria provided, single submitter. Criteria: Invitae Variant Classification Sherloc (09022015). Collection method: clinical testing. Allele origin: germline.
Comment: In summary, the available evidence is currently insufficient to determine the role of this variant in disease. Therefore, it has been classified as a Variant of Uncertain Significance. Algorithms developed to predict the effect of missense changes on protein structure and function output the following: SIFT: "Deleterious"; PolyPhen-2: "Benign"; Align-GVGD: "Class C0". The glutamic acid amino acid residue is found in multiple mammalian species, which suggests that this missense change does not adversely affect protein function. This variant has not been reported in the literature in individuals affected with CARD8-related conditions. This variant is not present in population databases (gnomAD no frequency). This sequence change replaces lysine, which is basic and polar, with glutamic acid, which is acidic and polar, at codon 125 of the CARD8 protein (p.Lys125Glu).

NM_001184900.3(CARD8):c.523A>G (p.Lys175Glu)

Gene: CARD8 (caspase recruitment domain family member 8; minus strand). Cytogenetic location: 19q13.33.
Variant type: single nucleotide variant.
Coding change: c.523A>G on transcript NM_001184900.3 (MANE Select); coding-DNA position 523, A replaced by G.
Protein change: p.Lys175Glu; replaces lysine 175 with glutamic acid.
Molecular consequence: missense variant. On other transcripts: non-coding transcript variant (4).
Genome position (GRCh38, 1-based): chr19:48,231,679, T>C on the plus strand (A>G on the coding strand, the complement: CARD8 is on the minus strand). VCF-style: chr19-48231679-T-C. GRCh37 (hg19) VCF-style: chr19-48734936-T-C.
Other names: c.373A>G, p.Lys125Glu (NM_001184901.1, NM_001351783.2, NM_001351788.2 and 2 more transcripts); c.523A>G, p.Lys175Glu (NM_001184902.2, NM_001184903.1, NM_001351782.2); c.208A>G, p.Lys70Glu (NM_001351784.2, NM_001351787.2, NM_001351791.2 and 2 more transcripts); c.187A>G, p.Lys63Glu (NM_001351786.2); c.280A>G, p.Lys94Glu (NM_001351790.2); short protein forms K175E, K125E, K63E, K94E, K70E.
Identifiers: ClinVar variation 2005540 (VCV002005540.4), dbSNP rs2042917723, ClinGen allele CA406644770.